The following is an entry in ClinVar:

ClinVar aggregate classification (germline): Conflicting classifications of pathogenicity. Review status: criteria provided, conflicting classifications (1 of 4 stars). 4 submissions from 4 submitters: Likely pathogenic (1); Uncertain significance (2). 1 of the submissions does not count toward it. Last evaluated 2024-08-22.

Conditions:
Insulin-resistant diabetes mellitus AND acanthosis nigricans. Also called: type A insulin resistance; DIABETES MELLITUS, INSULIN-RESISTANT, WITH ACANTHOSIS NIGRICANS, TYPE A; INSULIN RECEPTOR, DEFECT IN, WITH INSULIN-RESISTANT DIABETES MELLITUS AND ACANTHOSIS NIGRICANS; IRAN, TYPE A; Insulin-resistance syndrome type A. Identifiers: Orphanet 2297, MedGen C0342278, MONDO:0012520, OMIM 610549.

Allele frequency attached by ClinVar (database versions not stated): TOPMed 0.00002.

Submissions (4):

GeneDx
Classification: Likely pathogenic. Last evaluated: 2024-08-22. Review status: criteria provided, single submitter. Criteria: GeneDx Variant Classification Process June 2021. Collection method: clinical testing. Allele origin: germline. Affected: yes.
Comment: Not observed at significant frequency in large population cohorts (gnomAD); In silico analysis supports that this missense variant has a deleterious effect on protein structure/function; Identified in two siblings and an unrelated patient with INSR-related features including acanthosis nigricans, hyperinsulinemia, diabetes, polycystic ovaries, and hyperandrogenism (PMID: 16410336, 35000900); This variant is associated with the following publications: (PMID: 27896077, 16410336, 35000900, 35661079)

Labcorp Genetics (formerly Invitae), Labcorp
Classification: Uncertain significance. Last evaluated: 2023-09-20. Review status: criteria provided, single submitter. Criteria: Invitae Variant Classification Sherloc (09022015). Collection method: clinical testing. Allele origin: germline.
Comment: In summary, the available evidence is currently insufficient to determine the role of this variant in disease. Therefore, it has been classified as a Variant of Uncertain Significance. Advanced modeling of protein sequence and biophysical properties (such as structural, functional, and spatial information, amino acid conservation, physicochemical variation, residue mobility, and thermodynamic stability) performed at Invitae indicates that this missense variant is expected to disrupt INSR protein function. ClinVar contains an entry for this variant (Variation ID: 1330899). This variant is also known as His1130Arg. This missense change has been observed in individual(s) with autosomal dominant INSR-related conditions (PMID: 16410336, 35000900). This variant is not present in population databases (gnomAD no frequency). This sequence change replaces histidine, which is basic and polar, with arginine, which is basic and polar, at codon 1157 of the INSR protein (p.His1157Arg).

ARUP Laboratories, Molecular Genetics and Genomics, ARUP Laboratories
Classification: Uncertain significance. Last evaluated: 2021-02-04. Review status: criteria provided, single submitter. Criteria: ARUP Molecular Germline Variant Investigation Process 2021. Collection method: clinical testing. Allele origin: germline.
Comment: The INSR c.3470A>G; p.His1157Arg variant (rs957304581), also known as p.His1130Arg, is reported in the literature in individuals affected with type A insulin-resistance syndrome (Vambergue 2006). This variant is absent from general population databases (Exome Variant Server, Genome Aggregation Database), indicating it is not a common polymorphism. The histidine at codon 1157 is highly conserved, and computational analyses predict that this variant is deleterious (REVEL: 0.981). However, given the lack of clinical and functional data, the significance of the His1157Arg variant is uncertain at this time. References: Vambergue A et al. Follow-up study of two sisters with type A syndrome of severe insulin resistance gives a new insight into PCOS pathogenesis in relation to puberty and pregnancy outcome: a case report. Hum Reprod. 2006 May;21(5):1274-8.

Cardiovascular Genetics Laboratory, PathWest Laboratory Medicine WA - Fiona Stanley Hospital
Classification: Likely pathogenic for Insulin-resistant diabetes mellitus AND acanthosis nigricans. Last evaluated: 2021-07-30. Review status: no assertion criteria provided. Criteria: ACMG Guidelines, 2015. Collection method: clinical testing. Allele origin: germline. Not counted in ClinVar's aggregate classification.

Literature cited by the submitters: PubMed 16410336 (cited by Labcorp Genetics (formerly Invitae), Labcorp); PubMed 35000900 (cited by Labcorp Genetics (formerly Invitae), Labcorp).

NM_000208.4(INSR):c.3470A>G (p.His1157Arg)

Gene: INSR (insulin receptor; minus strand). Cytogenetic location: 19p13.2.
Variant type: single nucleotide variant.
Coding change: c.3470A>G on transcript NM_000208.4 (MANE Select); coding-DNA position 3470, A replaced by G.
Protein change: p.His1157Arg; replaces histidine 1157 with arginine.
Molecular consequence: missense variant.
Genome position (GRCh38, 1-based): chr19:7,122,673, T>C on the plus strand (A>G on the coding strand, the complement: INSR is on the minus strand). VCF-style: chr19-7122673-T-C. GRCh37 (hg19) VCF-style: chr19-7122684-T-C.
Other names: c.3434A>G, p.His1145Arg (NM_001079817.3); c.3470A>G (NM_000208.2); short protein forms H1145R, H1157R.
Identifiers: ClinVar variation 1330899 (VCV001330899.11), dbSNP rs957304581, ClinGen allele CA304871325.
Genomic context (GRCh38, chr19:7,122,673, plus strand): 5'-CCTCCAATTTTGACAGTAAAATCATGGGCGACCATGCAGTTTCTCGCTGCCAGGTCCCGA[T>C]GCACAAACTTCTTGGCGTTCAGGTAGGCCATCCCGTCAGCAATCTCTGCCGCCATCTGAA-3'
Protein context (NP_000199.2, residues 1147-1167): MAYLNAKKFV[His1157Arg]RDLAARNCMV